The following is an entry in ClinVar:

ClinVar aggregate classification (germline): Uncertain significance. Review status: criteria provided, single submitter (1 of 4 stars). 2 submissions from 2 submitters: Uncertain significance (1). 1 of the submissions does not count toward it. Last evaluated 2023-05-28.

Conditions:
RRAS-related disorder. Also called: RRAS-related condition.

Allele frequency attached by ClinVar (database versions not stated): ExAC 0.00001; gnomAD exomes 0.00001.

Submissions (2):

Women's Health and Genetics/Laboratory Corporation of America, LabCorp
Classification: Uncertain significance. Last evaluated: 2023-05-28. Review status: criteria provided, single submitter. Criteria: LabCorp Variant Classification Summary - May 2015. Collection method: clinical testing. Allele origin: germline.

PreventionGenetics, part of Exact Sciences
Classification: Likely benign for RRAS-related condition. Last evaluated: 2022-01-28. Review status: no assertion criteria provided. Collection method: clinical testing. Allele origin: germline. Not counted in ClinVar's aggregate classification.
Comment: This variant is classified as likely benign based on ACMG/AMP sequence variant interpretation guidelines (Richards et al. 2015 PMID: 25741868, with internal and published modifications).

NM_006270.5(RRAS):c.*5G>A

Gene: RRAS (RAS related; minus strand). Cytogenetic location: 19q13.33.
Variant type: single nucleotide variant.
Coding change: c.*5G>A on transcript NM_006270.5 (MANE Select); 5 bases downstream of the stop codon, G replaced by A.
Molecular consequence: 3 prime UTR variant.
Genome position (GRCh38, 1-based): chr19:49,635,571, C>T on the plus strand (G>A on the coding strand, the complement: RRAS is on the minus strand). VCF-style: chr19-49635571-C-T. GRCh37 (hg19) VCF-style: chr19-50138828-C-T.
Identifiers: ClinVar variation 2506325 (VCV002506325.3), dbSNP rs766575738, ClinGen allele CA9578917.